The following is an entry in ClinVar:

NM_001164508.2(NEB):c.16192G>C (p.Asp5398His)

Gene: NEB (nebulin; minus strand). Cytogenetic location: 2q23.3.
Variant type: single nucleotide variant.
Coding change: c.16192G>C on transcript NM_001164508.2 (MANE Select); coding-DNA position 16192, G replaced by C.
Protein change: p.Asp5398His; replaces aspartic acid 5398 with histidine.
Molecular consequence: missense variant. On other transcripts: intron variant (1).
Genome position (GRCh38, 1-based): chr2:151,581,575, C>G on the plus strand (G>C on the coding strand, the complement: NEB is on the minus strand). VCF-style: chr2-151581575-C-G. GRCh37 (hg19) VCF-style: chr2-152438089-C-G.
Other names: c.16192G>C, p.Asp5398His (NM_001164507.2, NM_001271208.2); c.11602-5221G>C (NM_004543.5); short protein forms D5398H.
Identifiers: ClinVar variation 2651431 (VCV002651431.24), dbSNP rs750810441, ClinGen allele CA348754492.

ClinVar aggregate classification (germline): Uncertain significance (1 of 4 stars; one submission).

Submission:

CeGaT Center for Human Genetics Tuebingen
Classification: Uncertain significance. Last evaluated: 2022-08-01. Review status: criteria provided, single submitter. Criteria: CeGaT Center For Human Genetics Tuebingen Variant Classification Criteria Version 2. Collection method: clinical testing. Allele origin: germline. Affected: yes. Observed: 1 variant allele.
Comment: NEB: PM2, BP4